The following is an entry in ClinVar:

ClinVar aggregate classification (germline): Uncertain significance (1 of 4 stars; one submission).

Submission:

Labcorp Genetics (formerly Invitae), Labcorp
Classification: Uncertain significance. Last evaluated: 2024-07-23. Review status: criteria provided, single submitter. Criteria: Invitae Variant Classification Sherloc (09022015). Collection method: clinical testing. Allele origin: germline.
Comment: This sequence change replaces threonine, which is neutral and polar, with isoleucine, which is neutral and non-polar, at codon 1282 of the VCAN protein (p.Thr1282Ile). This variant is not present in population databases (gnomAD no frequency). This variant has not been reported in the literature in individuals affected with VCAN-related conditions. An algorithm developed to predict the effect of missense changes on protein structure and function (PolyPhen-2) suggests that this variant is likely to be disruptive. In summary, the available evidence is currently insufficient to determine the role of this variant in disease. Therefore, it has been classified as a Variant of Uncertain Significance.

NM_004385.5(VCAN):c.3845C>T (p.Thr1282Ile)

Gene: VCAN (versican; plus strand). Cytogenetic location: 5q14.3.
Variant type: single nucleotide variant.
Coding change: c.3845C>T on transcript NM_004385.5 (MANE Select); coding-DNA position 3845, C replaced by T.
Protein change: p.Thr1282Ile; replaces threonine 1282 with isoleucine.
Molecular consequence: missense variant. On other transcripts: intron variant (2).
Genome position (GRCh38, 1-based): chr5:83,522,151, C>T. VCF-style: chr5-83522151-C-T. GRCh37 (hg19) VCF-style: chr5-82817970-C-T.
Other names: c.3845C>T, p.Thr1282Ile (NM_001164098.2); c.1042+9755C>T (NM_001164097.2, NM_001126336.3); short protein forms T1282I.
Identifiers: ClinVar variation 3660405 (VCV003660405.2).
Genomic context (GRCh38, chr5:83,522,151, plus strand): 5'-CCCTTGAAGATATTGTAGCCAAGGAAACAGAAACCGATATTGATAGAGAGTATTTCACGA[C>T]TTCAAGTCCTCCTGCTACACAGCCAACAAGACCACCCACTGTGGAAGACAAAGAGGCCTT-3'
Protein context (NP_004376.2, residues 1272-1292): ETDIDREYFT[Thr1282Ile]SSPPATQPTR